The following is an entry in ClinVar:

NM_020433.5(JPH2):c.2073_2074inv (p.Val692Ile)

Gene: JPH2 (junctophilin 2; minus strand). Cytogenetic location: 20q13.12.
Variant type: Inversion.
Coding change: c.2073_2074inv on transcript NM_020433.5 (MANE Select).
Protein change: p.Val692Ile; replaces valine 692 with isoleucine.
Molecular consequence: missense variant.
Genome position: GRCh38 VCF-style: chr20-44114813-CA-TG. GRCh37 (hg19) VCF-style: chr20-42743453-CA-TG.
Other names: c.2073_2074delTGinsCA (NM_020433.4); c.2073_2074delinsCA (NM_020433.5); short protein forms V692I.
Identifiers: ClinVar variation 1979424 (VCV001979424.9), ClinGen allele CA2580098177.

ClinVar aggregate classification (germline): Uncertain significance. Review status: criteria provided, multiple submitters, no conflicts (2 of 4 stars). 4 submissions from 4 submitters: Uncertain significance (4). Last evaluated 2025-06-27.

Conditions:
Cardiomyopathy, dilated, 2E. Identifiers: MedGen C5561970, MONDO:0030366, OMIM 619492.
Cardiovascular phenotype. Identifiers: MedGen CN230736.
Hypertrophic cardiomyopathy. Also called: HYPERTROPHIC MYOCARDIOPATHY. Identifiers: Orphanet 217569, MedGen C0007194, MeSH D002312, MONDO:0005045, HP:0001639.

Submissions (4):

Ambry Genetics
Classification: Uncertain significance for Cardiovascular phenotype. Last evaluated: 2025-06-27. Review status: criteria provided, single submitter. Criteria: Ambry Variant Classification Scheme 2023. Collection method: clinical testing. Allele origin: germline.
Comment: The c.2073_2074delTGinsCA variant, located in coding exon 5 of the JPH2 gene, results from an in-frame deletion of TG and insertion of CA at nucleotide positions 2073 to 2074. This results in the substitution of the valine residue for an isoleucine residue at codon 692, an amino acid with highly similar properties. This amino acid position is highly conserved in available vertebrate species. In addition, this alteration is predicted to be neutral by in silico analysis (Choi Y et al. PLoS ONE. 2012; 7(10):e46688). Since supporting evidence is limited at this time, the clinical significance of this alteration remains unclear.

Labcorp Genetics (formerly Invitae), Labcorp
Classification: Uncertain significance for Hypertrophic cardiomyopathy. Last evaluated: 2024-12-23. Review status: criteria provided, single submitter. Criteria: Invitae Variant Classification Sherloc (09022015). Collection method: clinical testing. Allele origin: germline.
Comment: This sequence change replaces valine, which is neutral and non-polar, with isoleucine, which is neutral and non-polar, at codon 692 of the JPH2 protein (p.Val692Ile). Information on the frequency of this variant in the gnomAD database is not available, as this variant may be reported differently in the database. This variant has not been reported in the literature in individuals affected with JPH2-related conditions. ClinVar contains an entry for this variant (Variation ID: 1979424). Experimental studies and prediction algorithms are not available or were not evaluated, and the functional significance of this variant is currently unknown. In summary, the available evidence is currently insufficient to determine the role of this variant in disease. Therefore, it has been classified as a Variant of Uncertain Significance.

KardioGenetik, Herz- und Diabeteszentrum NRW
Classification: Uncertain significance for Cardiomyopathy, dilated, 2E. Last evaluated: 2024-08-13. Review status: criteria provided, single submitter. Criteria: ACMG Guidelines, 2015. Collection method: clinical testing. Allele origin: unknown. Affected: yes. Observed: 1 variant allele.
Comment: PM2

Blueprint Genetics
Classification: Uncertain significance. Last evaluated: 2024-02-22. Review status: criteria provided, single submitter. Criteria: ACMG Guidelines, 2015. Collection method: clinical testing. Allele origin: germline.